The following is an entry in ClinVar:

ClinVar aggregate classification (germline): Uncertain significance. Review status: criteria provided, multiple submitters, no conflicts (2 of 4 stars). 2 submissions from 2 submitters: Uncertain significance (2). Last evaluated 2025-11-17.

Conditions:
Hereditary cancer-predisposing syndrome. Also called: Hereditary neoplastic syndrome; Neoplastic Syndromes, Hereditary; Tumor predisposition; Hereditary Cancer Syndrome. Identifiers: Orphanet 140162, MedGen C0027672, MeSH D009386, MONDO:0015356.
Tuberous sclerosis 2 (TSC2). Identifiers: Orphanet 805, MedGen C1860707, MONDO:0013199, OMIM 613254.

Allele frequency attached by ClinVar (database versions not stated): gnomAD exomes below 0.00001.
gnomAD v4.1: 2 of 1,613,836 alleles (0.00012%); highest among the groups gnomAD compares: South Asian, 0.0022%; no homozygotes.

Submissions (2):

Labcorp Genetics (formerly Invitae), Labcorp
Classification: Uncertain significance for Tuberous sclerosis 2. Last evaluated: 2025-11-17. Review status: criteria provided, single submitter. Criteria: Invitae Variant Classification Sherloc (09022015). Collection method: clinical testing. Allele origin: germline.
Comment: This sequence change replaces serine, which is neutral and polar, with proline, which is neutral and non-polar, at codon 494 of the TSC2 protein (p.Ser494Pro). This variant is not present in population databases (gnomAD no frequency). This variant has not been reported in the literature in individuals affected with TSC2-related conditions. ClinVar contains an entry for this variant (Variation ID: 467876). Invitae Evidence Modeling of protein sequence and biophysical properties (such as structural, functional, and spatial information, amino acid conservation, physicochemical variation, residue mobility, and thermodynamic stability) indicates that this missense variant is not expected to disrupt TSC2 protein function with a negative predictive value of 95%. In summary, the available evidence is currently insufficient to determine the role of this variant in disease. Therefore, it has been classified as a Variant of Uncertain Significance.

Ambry Genetics
Classification: Uncertain significance for Hereditary cancer-predisposing syndrome. Last evaluated: 2025-04-12. Review status: criteria provided, single submitter. Criteria: Ambry Variant Classification Scheme 2023. Collection method: clinical testing. Allele origin: germline.
Comment: The p.S494P variant (also known as c.1480T>C), located in coding exon 14 of the TSC2 gene, results from a T to C substitution at nucleotide position 1480. The serine at codon 494 is replaced by proline, an amino acid with similar properties. This amino acid position is conserved. In addition, the in silico prediction for this alteration is inconclusive. Based on the available evidence, the clinical significance of this variant remains unclear.

NM_000548.5(TSC2):c.1480T>C (p.Ser494Pro)

Gene: TSC2 (TSC complex subunit 2; plus strand). Cytogenetic location: 16p13.3.
Variant type: single nucleotide variant.
Coding change: c.1480T>C on transcript NM_000548.5 (MANE Select); coding-DNA position 1480, T replaced by C.
Protein change: p.Ser494Pro; replaces serine 494 with proline.
Molecular consequence: missense variant.
Genome position (GRCh38, 1-based): chr16:2,064,308, T>C. VCF-style: chr16-2064308-T-C. GRCh37 (hg19) VCF-style: chr16-2114309-T-C.
Other names: c.1480T>C, p.Ser494Pro (NM_001077183.3, NM_001114382.3, NM_001363528.2 and 3 more transcripts); c.1369T>C, p.Ser457Pro (NM_001318827.2); c.1333T>C, p.Ser445Pro (NM_001318829.2); c.880T>C, p.Ser294Pro (NM_001318831.2); c.1513T>C, p.Ser505Pro (NM_001318832.2); short protein forms S494P, S445P, S457P, S294P, S505P.
Identifiers: ClinVar variation 467876 (VCV000467876.9), dbSNP rs1555502412, ClinGen allele CA394325846.